The following is an entry in ClinVar:

NM_014515.7(CNOT2):c.583G>A (p.Gly195Arg)

Gene: CNOT2 (CCR4-NOT transcription complex subunit 2; plus strand). Cytogenetic location: 12q15.
Variant type: single nucleotide variant.
Coding change: c.583G>A on transcript NM_014515.7 (MANE Select); coding-DNA position 583, G replaced by A.
Protein change: p.Gly195Arg; replaces glycine 195 with arginine.
Molecular consequence: missense variant. On other transcripts: non-coding transcript variant (1).
Genome position (GRCh38, 1-based): chr12:70,332,780, G>A. VCF-style: chr12-70332780-G-A. GRCh37 (hg19) VCF-style: chr12-70726560-G-A.
Other names: c.583G>A, p.Gly195Arg (NM_001199302.2, NM_001199303.2, NM_001414651.1 and 1 more transcripts); c.556G>A, p.Gly186Arg (NM_001414653.1, NM_001414654.1, NM_001414655.1); c.541G>A, p.Gly181Arg (NM_001414656.1); c.523G>A, p.Gly175Arg (NM_001414657.1, NM_001414658.1, NM_001414659.1 and 1 more transcripts); c.460G>A, p.Gly154Arg (NM_001414661.1); c.400G>A, p.Gly134Arg (NM_001414662.1); short protein forms G134R, G154R, G175R, G181R, G186R, G195R.
Identifiers: ClinVar variation 3343663 (VCV003343663.1).

ClinVar aggregate classification (germline): Uncertain significance (1 of 4 stars; one submission).

Submission:

GeneDx
Classification: Uncertain significance. Last evaluated: 2023-05-31. Review status: criteria provided, single submitter. Criteria: GeneDx Variant Classification Process June 2021. Collection method: clinical testing. Allele origin: germline. Affected: yes.
Comment: Not observed at significant frequency in large population cohorts (gnomAD); In silico analysis supports a deleterious effect on splicing; In silico analysis supports that this missense variant has a deleterious effect on protein structure/function; Has not been previously published as pathogenic or benign to our knowledge